The following is an entry in ClinVar:

ClinVar aggregate classification (germline): Uncertain significance (1 of 4 stars; one submission).

Conditions:
Developmental and epileptic encephalopathy, 36 (DEE36). Also called: Epileptic encephalopathy, early infantile, 36; Congenital disorder of glycosylation, type Is; ALG13-CDG. Identifiers: Orphanet 324422, MedGen C4317295, MONDO:0010472, OMIM 300884.

Submission:

Labcorp Genetics (formerly Invitae), Labcorp
Classification: Uncertain significance for Developmental and epileptic encephalopathy, 36. Last evaluated: 2023-08-03. Review status: criteria provided, single submitter. Criteria: Invitae Variant Classification Sherloc (09022015). Collection method: clinical testing. Allele origin: germline.
Comment: This variant, c.2797_2798insGAC, results in the insertion of 1 amino acid(s) of the ALG13 protein (p.Pro932_Pro933insArg), but otherwise preserves the integrity of the reading frame. This variant is not present in population databases (gnomAD no frequency). This variant has not been reported in the literature in individuals affected with ALG13-related conditions. Experimental studies and prediction algorithms are not available or were not evaluated, and the functional significance of this variant is currently unknown. In summary, the available evidence is currently insufficient to determine the role of this variant in disease. Therefore, it has been classified as a Variant of Uncertain Significance.

NM_001099922.3(ALG13):c.2797_2798insGAC (p.Pro932_Pro933insArg)

Gene: ALG13 (ALG13 UDP-N-acetylglucosaminyltransferase subunit; plus strand). Cytogenetic location: Xq23.
Variant type: Insertion.
Coding change: c.2797_2798insGAC on transcript NM_001099922.3 (MANE Select); coding-DNA positions 2797 to 2798, GAC inserted.
Protein change: p.Pro932_Pro933insArg.
Molecular consequence: inframe insertion. On other transcripts: intron variant (5).
Genome position: GRCh38 VCF-style: chrX-111744767-C-CACG. GRCh37 (hg19) VCF-style: chrX-110987995-C-CACG.
Other names: c.2563_2564insGAC, p.Pro854_Pro855insArg (NM_001257231.2); c.2383+7890_2383+7891insGAC (NM_001257237.2, NM_001257234.2, NM_001257230.2); c.2209+7890_2209+7891insGAC (NM_001324293.1); c.2695+7890_2695+7891insGAC (NM_001324292.2).
Identifiers: ClinVar variation 2814257 (VCV002814257.3), dbSNP rs2526302020, ClinGen allele CA2739273729.
Genomic context (GRCh38, chrX:111,744,767, plus strand): 5'-CTCATGCTGGTGCCTCTCTACCACCACCACCACCACCACCACCACCACCACCACCACCAC[C>CACG]ACCTCCTCCTCCTCCTCCTCCTCCTCCTCCTCCTCCTCCTGCTCTTGATGTGGGAGAGAC-3'